The following is an entry in ClinVar:

ClinVar aggregate classification (germline): Uncertain significance (1 of 4 stars; one submission).

Allele frequency attached by ClinVar (database versions not stated): gnomAD exomes below 0.00001; TOPMed 0.00001.
gnomAD v4.1: 2 of 1,608,714 alleles (0.00012%); highest among the groups gnomAD compares: Non-Finnish European, 0.00017%; no homozygotes.

Submission:

Labcorp Genetics (formerly Invitae), Labcorp
Classification: Uncertain significance. Last evaluated: 2022-07-14. Review status: criteria provided, single submitter. Criteria: Invitae Variant Classification Sherloc (09022015). Collection method: clinical testing. Allele origin: germline.
Comment: In summary, the available evidence is currently insufficient to determine the role of this variant in disease. Therefore, it has been classified as a Variant of Uncertain Significance. Algorithms developed to predict the effect of missense changes on protein structure and function output the following: SIFT: "Tolerated"; PolyPhen-2: "Benign"; Align-GVGD: "Class C0". The alanine amino acid residue is found in multiple mammalian species, which suggests that this missense change does not adversely affect protein function. This variant has not been reported in the literature in individuals affected with CD55-related conditions. This variant is not present in population databases (gnomAD no frequency). This sequence change replaces threonine, which is neutral and polar, with alanine, which is neutral and non-polar, at codon 185 of the CD55 protein (p.Thr185Ala).

NM_000574.5(CD55):c.553A>G (p.Thr185Ala)

Gene: CD55 (CD55 molecule (Cromer blood group); plus strand). Cytogenetic location: 1q32.2.
Variant type: single nucleotide variant.
Coding change: c.553A>G on transcript NM_000574.5 (MANE Select); coding-DNA position 553, A replaced by G.
Protein change: p.Thr185Ala; replaces threonine 185 with alanine.
Molecular consequence: missense variant. On other transcripts: non-coding transcript variant (1).
Genome position (GRCh38, 1-based): chr1:207,325,696, A>G. VCF-style: chr1-207325696-A-G. GRCh37 (hg19) VCF-style: chr1-207499041-A-G.
Other names: c.553A>G, p.Thr185Ala (NM_001114752.3, NM_001300902.2, NM_001300903.2 and 1 more transcripts); short protein forms T185A.
Identifiers: ClinVar variation 2013838 (VCV002013838.2), dbSNP rs1057053700, ClinGen allele CA36635502.